The following is an entry in ClinVar:

NM_001369.3(DNAH5):c.8926G>A (p.Val2976Ile)

Gene: DNAH5 (dynein axonemal heavy chain 5; minus strand). Cytogenetic location: 5p15.2.
Variant type: single nucleotide variant.
Coding change: c.8926G>A on transcript NM_001369.3 (MANE Select); coding-DNA position 8926, G replaced by A.
Protein change: p.Val2976Ile; replaces valine 2976 with isoleucine.
Molecular consequence: missense variant.
Genome position (GRCh38, 1-based): chr5:13,780,854, C>T on the plus strand (G>A on the coding strand, the complement: DNAH5 is on the minus strand). VCF-style: chr5-13780854-C-T. GRCh37 (hg19) VCF-style: chr5-13780963-C-T.
Other names: short protein forms V2976I.
Identifiers: ClinVar variation 642149 (VCV000642149.9), dbSNP rs752086486, ClinGen allele CA3202672.

ClinVar aggregate classification (germline): Conflicting classifications of pathogenicity. Review status: criteria provided, conflicting classifications (1 of 4 stars). 4 submissions from 4 submitters: Uncertain significance (2); Likely benign (1). 1 of the submissions does not count toward it. Last evaluated 2022-08-12.

Conditions:
Primary ciliary dyskinesia. Also called: Ciliary dyskinesia. Identifiers: Orphanet 244, MedGen C0008780, MONDO:0016575, HP:0012265.

Allele frequency attached by ClinVar (database versions not stated): ExAC 0.00002; gnomAD exomes 0.00002.
gnomAD v4.1: 10 of 1,613,652 alleles (0.00062%); highest among the groups gnomAD compares: Admixed American, 0.0017%; no homozygotes.

Submissions (4):

Ambry Genetics
Classification: Likely benign for Primary ciliary dyskinesia. Last evaluated: 2022-08-12. Review status: criteria provided, single submitter. Criteria: Ambry Variant Classification Scheme 2023. Collection method: clinical testing. Allele origin: germline.

Labcorp Genetics (formerly Invitae), Labcorp
Classification: Uncertain significance for Primary ciliary dyskinesia. Last evaluated: 2021-08-27. Review status: criteria provided, single submitter. Criteria: Invitae Variant Classification Sherloc (09022015). Collection method: clinical testing. Allele origin: germline.
Comment: This sequence change replaces valine with isoleucine at codon 2976 of the DNAH5 protein (p.Val2976Ile). The valine residue is weakly conserved and there is a small physicochemical difference between valine and isoleucine. This variant is present in population databases (rs752086486, ExAC 0.003%). This variant has not been reported in the literature in individuals affected with DNAH5-related conditions. Algorithms developed to predict the effect of missense changes on protein structure and function output the following: SIFT: "Tolerated"; PolyPhen-2: "Benign"; Align-GVGD: "Class C0". The isoleucine amino acid residue is found in multiple mammalian species, which suggests that this missense change does not adversely affect protein function. In summary, the available evidence is currently insufficient to determine the role of this variant in disease. Therefore, it has been classified as a Variant of Uncertain Significance.

Breakthrough Genomics
Classification: Uncertain significance. Review status: criteria provided, single submitter. Criteria: ACMG Guidelines, 2015. Collection method: not provided. Allele origin: germline. Inheritance: Autosomal recessive inheritance. Affected: yes.

Natera, Inc.
Classification: Uncertain significance for Primary ciliary dyskinesia. Last evaluated: 2019-11-11. Review status: no assertion criteria provided. Collection method: clinical testing. Allele origin: germline. Not counted in ClinVar's aggregate classification.